The following is an entry in ClinVar:

NM_018192.4(P3H2):c.26del (p.Pro9fs)

Genes: P3H2 (prolyl 3-hydroxylase 2; minus strand), LOC123464484 (Sharpr-MPRA regulatory region 10063; plus strand). Cytogenetic location: 3q28.
Variant type: Deletion.
Coding change: c.26del on transcript NM_018192.4 (MANE Select); coding-DNA position 26, one base deleted (C; older notation c.26delC).
Protein change: p.Pro9fs; shifts the reading frame from proline 9.
Molecular consequence: frameshift variant. On other transcripts: intron variant (1).
Genome position (GRCh38, 1-based): chr3:190,120,706, G deleted on the plus strand (C on the coding strand, the reverse complement: P3H2 is on the minus strand); the first of 2 consecutive G bases (chr3:190,120,706-190,120,707); deleting either gives the same sequence. VCF-style (leftmost placement, unchanged base first): chr3-190120705-CG-C. GRCh37 (hg19) VCF-style: chr3-189838494-CG-C.
Other names: c.-64+1497del (NM_001134418.2); short protein forms P9fs.
Identifiers: ClinVar variation 1453213 (VCV001453213.6), dbSNP rs2108532290, ClinGen allele CA2552155852.
Genomic context (GRCh38, chr3:190,120,705, plus strand): 5'-GCTGTCCGGGGGGCCGCCCCACAGTGGCGGCGGCAGTAGCAGCGGCAGCAGCAGCAGCAG[CG>C]GCGGCGCCCAGATGCGCTCCCGCATCCTCCGCCTCAGAGAGGCGCGGGACGGTTACGCTC-3'

ClinVar aggregate classification (germline): Pathogenic (1 of 4 stars; one submission).

Submission:

Labcorp Genetics (formerly Invitae), Labcorp
Classification: Pathogenic. Last evaluated: 2022-06-28. Review status: criteria provided, single submitter. Criteria: Invitae Variant Classification Sherloc (09022015). Collection method: clinical testing. Allele origin: germline.
Comment: For these reasons, this variant has been classified as Pathogenic. This variant has not been reported in the literature in individuals affected with P3H2-related conditions. This variant is not present in population databases (gnomAD no frequency). This sequence change creates a premature translational stop signal (p.Pro9Argfs*195) in the P3H2 gene. It is expected to result in an absent or disrupted protein product. Loss-of-function variants in P3H2 are known to be pathogenic (PMID: 24172257, 25469533).

Literature cited by the submitters: PubMed 24172257; PubMed 25469533.